The following is an entry in ClinVar:

NM_000165.5(GJA1):c.1128G>A (p.Arg376=)

Gene: GJA1 (gap junction protein alpha 1; plus strand). Cytogenetic location: 6q22.31.
Variant type: single nucleotide variant.
Coding change: c.1128G>A on transcript NM_000165.5 (MANE Select); coding-DNA position 1128, G replaced by A.
Protein change: p.Arg376=; no amino-acid change (arginine 376 retained).
Molecular consequence: synonymous variant.
Genome position (GRCh38, 1-based): chr6:121,447,975, G>A. VCF-style: chr6-121447975-G-A. GRCh37 (hg19) VCF-style: chr6-121769121-G-A.
Identifiers: ClinVar variation 355163 (VCV000355163.17), dbSNP rs145215218, ClinGen allele CA3981829.

ClinVar aggregate classification (germline): Conflicting classifications of pathogenicity. Review status: criteria provided, conflicting classifications (1 of 4 stars). 6 submissions from 4 submitters: Uncertain significance (1); Benign (2); Likely benign (3). Last evaluated 2025-12-08.

Conditions:
Hypoplastic left heart syndrome 1 (HLHS1). Identifiers: Orphanet 2248, MedGen C4551854, MONDO:0009433, OMIM 241550.
Oculodentodigital dysplasia, autosomal recessive. Also called: OCULODENTOOSSEOUS DYSPLASIA, AUTOSOMAL RECESSIVE; ODDD, AUTOSOMAL RECESSIVE; ODOD, AUTOSOMAL RECESSIVE. Identifiers: Orphanet 2710, MedGen C2749477, MONDO:0009768, OMIM 257850.
Oculodentodigital dysplasia (ODDD). Also called: ODD SYNDROME; Oculodentodigital syndrome. Identifiers: Orphanet 2710, MedGen C0812437, MONDO:0008111, OMIM 164200.
Syndactyly type 3 (SDTY3). Also called: RING AND LITTLE FINGER SYNDACTYLY; SYNDACTYLY OF FINGERS IV AND V. Identifiers: Orphanet 93404, MedGen C1861366, MONDO:0008514, OMIM 186100.

Allele frequency attached by ClinVar (database versions not stated): 1000 Genomes Project 30x 0.00016; 1000 Genomes Project 0.00020; gnomAD exomes 0.00043 and 0.00089; ExAC 0.00045; gnomAD 0.00048 and 0.00051; ESP Exome Variant Server 0.00062; TOPMed 0.00063.
gnomAD v4.1: 1,353 of 1,613,208 alleles (0.084%); highest among the groups gnomAD compares: Non-Finnish European, 0.11%; 2 homozygotes.

Submissions (6):

Labcorp Genetics (formerly Invitae), Labcorp
Classification: Likely benign for Oculodentodigital dysplasia, autosomal recessive. Last evaluated: 2025-12-08. Review status: criteria provided, single submitter. Criteria: Invitae Variant Classification Sherloc (09022015). Collection method: clinical testing. Allele origin: germline.

Blueprint Genetics
Classification: Likely benign. Last evaluated: 2024-09-25. Review status: criteria provided, single submitter. Criteria: ACMG Guidelines, 2015. Collection method: clinical testing. Allele origin: germline.

GeneDx
Classification: Likely benign. Last evaluated: 2020-08-28. Review status: criteria provided, single submitter. Criteria: GeneDx Variant Classification Process June 2021. Collection method: clinical testing. Allele origin: germline. Affected: yes.

Illumina Laboratory Services, Illumina
Classification: Benign for Syndactyly type 3. Last evaluated: 2018-01-12. Review status: criteria provided, single submitter. Criteria: ICSL Variant Classification Criteria 13 December 2019. Collection method: clinical testing. Allele origin: germline.
Comment: This variant was observed in the ICSL laboratory as part of a predisposition screen in an ostensibly healthy population. It had not been previously curated by ICSL or reported in the Human Gene Mutation Database (HGMD: prior to June 1st, 2018), and was therefore a candidate for classification through an automated scoring system. Utilizing variant allele frequency, disease prevalence and penetrance estimates, and inheritance mode, an automated score was calculated to assess if this variant is too frequent to cause the disease. Based on the score and internal cut-off values, a variant classified as benign is not then subjected to further curation. The score for this variant resulted in a classification of benign for this disease.

Illumina Laboratory Services, Illumina
Classification: Benign for Oculodentodigital dysplasia. Last evaluated: 2018-01-12. Review status: criteria provided, single submitter. Criteria: ICSL Variant Classification Criteria 13 December 2019. Collection method: clinical testing. Allele origin: germline.
Comment: the same text as in the submission from Illumina Laboratory Services, Illumina above.

Illumina Laboratory Services, Illumina
Classification: Uncertain significance for Hypoplastic left heart syndrome 1. Last evaluated: 2018-01-12. Review status: criteria provided, single submitter. Criteria: ICSL Variant Classification Criteria 13 December 2019. Collection method: clinical testing. Allele origin: germline.